The following is an entry in ClinVar:

NM_152268.4(PARS2):c.150C>T (p.Asn50=)

Gene: PARS2 (prolyl-tRNA synthetase 2, mitochondrial; minus strand). Cytogenetic location: 1p32.3.
Variant type: single nucleotide variant.
Coding change: c.150C>T on transcript NM_152268.4 (MANE Select); coding-DNA position 150, C replaced by T.
Protein change: p.Asn50=; no amino-acid change (asparagine 50 retained).
Molecular consequence: synonymous variant.
Genome position (GRCh38, 1-based): chr1:54,759,012, G>A on the plus strand (C>T on the coding strand, the complement: PARS2 is on the minus strand). VCF-style: chr1-54759012-G-A. GRCh37 (hg19) VCF-style: chr1-55224685-G-A.
Identifiers: ClinVar variation 384224 (VCV000384224.1), dbSNP rs756197119, ClinGen allele CA16603740.

ClinVar aggregate classification (germline): Likely benign (1 of 4 stars; one submission).

Allele frequency attached by ClinVar (database versions not stated): TOPMed 0.00002.
gnomAD v4.1: 2 of 1,614,102 alleles (0.00012%); highest among the groups gnomAD compares: Non-Finnish European, 0.00017%; no homozygotes.

Submission:

GeneDx
Classification: Likely benign. Last evaluated: 2016-03-16. Review status: criteria provided, single submitter. Criteria: GeneDx Variant Classification (06012015). Collection method: clinical testing. Allele origin: germline. Affected: yes.
Comment: This variant is considered likely benign or benign based on one or more of the following criteria: it is a conservative change, it occurs at a poorly conserved position in the protein, it is predicted to be benign by multiple in silico algorithms, and/or has population frequency not consistent with disease.